The following is an entry in ClinVar:

NM_001377142.1(PLCB4):c.2778C>G (p.Ile926Met)

Gene: PLCB4 (phospholipase C beta 4; plus strand). Cytogenetic location: 20p12.2.
Variant type: single nucleotide variant.
Coding change: c.2778C>G on transcript NM_001377142.1 (MANE Select); coding-DNA position 2778, C replaced by G.
Protein change: p.Ile926Met; replaces isoleucine 926 with methionine.
Molecular consequence: missense variant.
Genome position (GRCh38, 1-based): chr20:9,443,994, C>G. VCF-style: chr20-9443994-C-G. GRCh37 (hg19) VCF-style: chr20-9424641-C-G.
Other names: c.2742C>G, p.Ile914Met (NM_000933.4, NM_001377134.2, NM_001377135.1 and 2 more transcripts); c.2778C>G, p.Ile926Met (NM_001172646.2, NM_001377143.1); short protein forms I914M, I926M.
Identifiers: ClinVar variation 1328898 (VCV001328898.2), dbSNP rs144853204, ClinGen allele CA311289547.

ClinVar aggregate classification (germline): Uncertain significance (1 of 4 stars; one submission).

Allele frequency attached by ClinVar (database versions not stated): ESP Exome Variant Server 0.00008.
gnomAD v4.1: 1 of 1,592,192 alleles (0.000063%); highest among the groups gnomAD compares: East Asian, 0.0022%; no homozygotes.

Submission:

GeneDx
Classification: Uncertain significance. Last evaluated: 2021-06-20. Review status: criteria provided, single submitter. Criteria: GeneDx Variant Classification Process June 2021. Collection method: clinical testing. Allele origin: germline. Affected: yes.
Comment: Not observed at significant frequency in large population cohorts (Lek et al., 2016); In silico analysis supports that this missense variant does not alter protein structure/function; Has not been previously published as pathogenic or benign to our knowledge; This variant is associated with the following publications: (PMID: 27535533)